The following is an entry in ClinVar:

NM_001048166.1(STIL):c.3207T>C (p.Ala1069=)

Gene: STIL (STIL centriolar assembly protein; minus strand). Cytogenetic location: 1p33.
Variant type: single nucleotide variant.
Coding change: c.3207T>C on transcript NM_001048166.1 (MANE Select); coding-DNA position 3207, T replaced by C.
Protein change: p.Ala1069=; no amino-acid change (alanine 1069 retained).
Molecular consequence: synonymous variant.
Genome position (GRCh38, 1-based): chr1:47,251,796, A>G on the plus strand (T>C on the coding strand, the complement: STIL is on the minus strand). VCF-style: chr1-47251796-A-G. GRCh37 (hg19) VCF-style: chr1-47717468-A-G.
Other names: c.3204T>C, p.Ala1068= (NM_001282936.1, NM_003035.2); c.3153T>C, p.Ala1051= (NM_001282937.1); c.3066T>C, p.Ala1022= (NM_001282938.1); c.3012T>C, p.Ala1004= (NM_001282939.1).
Identifiers: ClinVar variation 297552 (VCV000297552.29), dbSNP rs778016364, ClinGen allele CA842003.
Genomic context (GRCh38, chr1:47,251,796, plus strand): 5'-ATTTTGGTTCGATCGAGTGACAGACAGTTGTGACAGCTGATTTTCATTTAAATATTTCAG[A>G]GCTATAGCATTTGCCTCCATGCTCAAATCCACACCATTGGGGCTTAAGCCGCTCATGCCA-3'
Protein context (NP_001041631.1, residues 1059-1079): VDLSMEANAI[Ala1069=]LKYLNENQLS

ClinVar aggregate classification (germline): Conflicting classifications of pathogenicity. Review status: criteria provided, conflicting classifications (1 of 4 stars). 2 submissions from 2 submitters: Uncertain significance (1); Likely benign (1). Last evaluated 2022-10-01.

Conditions:
Microcephaly 7, primary, autosomal recessive. Identifiers: Orphanet 2512, MedGen C2675187, MONDO:0012989, OMIM 612703.

Allele frequency attached by ClinVar (database versions not stated): gnomAD 0.00001 and 0.00002; TOPMed 0.00003.
gnomAD v4.1: 16 of 1,611,796 alleles (0.00099%); highest among the groups gnomAD compares: East Asian, 0.022%; no homozygotes.

Submissions (2):

CeGaT Center for Human Genetics Tuebingen
Classification: Likely benign. Last evaluated: 2022-10-01. Review status: criteria provided, single submitter. Criteria: CeGaT Center For Human Genetics Tuebingen Variant Classification Criteria Version 2. Collection method: clinical testing. Allele origin: germline. Affected: yes. Observed: 1 variant allele.
Comment: STIL: BP4, BP7

Illumina Laboratory Services, Illumina
Classification: Uncertain significance for Microcephaly 7, primary, autosomal recessive. Last evaluated: 2018-01-12. Review status: criteria provided, single submitter. Criteria: ICSL Variant Classification Criteria 13 December 2019. Collection method: clinical testing. Allele origin: germline.